The following is an entry in ClinVar:

ClinVar aggregate classification (germline): Likely benign (0 of 4 stars; one submission).

Conditions:
NUP188-related disorder. Also called: NUP188-related condition.

Allele frequency attached by ClinVar (database versions not stated): ExAC 0.00001; gnomAD 0.00001; gnomAD exomes 0.00001; TOPMed 0.00001.
gnomAD v4.1: 16 of 1,613,732 alleles (0.00099%); highest among the groups gnomAD compares: Admixed American, 0.0067%; no homozygotes.

Submission:

PreventionGenetics, part of Exact Sciences
Classification: Likely benign for NUP188-related condition. Last evaluated: 2019-03-26. Review status: no assertion criteria provided. Collection method: clinical testing. Allele origin: germline.
Comment: This variant is classified as likely benign based on ACMG/AMP sequence variant interpretation guidelines (Richards et al. 2015 PMID: 25741868, with internal and published modifications).

NM_015354.3(NUP188):c.5226G>A (p.Ala1742=)

Genes: NUP188 (nucleoporin 188; plus strand), LOC130002730 (ATAC-STARR-seq lymphoblastoid active region 29098; plus strand). Cytogenetic location: 9q34.11.
Variant type: single nucleotide variant.
Coding change: c.5226G>A on transcript NM_015354.3 (MANE Select); coding-DNA position 5226, G replaced by A.
Protein change: p.Ala1742=; no amino-acid change (alanine 1742 retained).
Molecular consequence: synonymous variant.
Genome position (GRCh38, 1-based): chr9:129,006,654, G>A. VCF-style: chr9-129006654-G-A. GRCh37 (hg19) VCF-style: chr9-131768933-G-A.
Identifiers: ClinVar variation 3058551 (VCV003058551.2), dbSNP rs773212791, ClinGen allele CA5273618.
Genomic context (GRCh38, chr9:129,006,654, plus strand): 5'-CACCTCTCTCTCCAAAGCCAGCCCTGAGAGTCAGGAGCCTCTGATCCAGTTGGTGCAGGC[G>A]TTTGTCCGGCATATGCAAAGATAGGGCAGTGCTGTTCTGCCCACCTACCCCTCTCCACCA-3'
Protein context (NP_056169.1, residues 1732-1749): SQEPLIQLVQ[Ala1742=]FVRHMQR